The following is an entry in ClinVar:

ClinVar aggregate classification (germline): Uncertain significance (1 of 4 stars; one submission).

Conditions:
Autosomal dominant nonsyndromic hearing loss 1. Also called: DEAFNESS, AUTOSOMAL DOMINANT 1, WITH OR WITHOUT THROMBOCYTOPENIA; KONIGSMARK SYNDROME. Identifiers: Orphanet 90635, MedGen C1852282, MONDO:0007424, OMIM 124900.
Progressive microcephaly-seizures-cortical blindness-developmental delay syndrome. Also called: Seizures, cortical blindness, and microcephaly syndrome. Identifiers: Orphanet 477814, MedGen C5567650, MONDO:0014714, OMIM 616632.

Submission:

Labcorp Genetics (formerly Invitae), Labcorp
Classification: Uncertain significance for Progressive microcephaly-seizures-cortical blindness-developmental delay syndrome; Autosomal dominant nonsyndromic hearing loss 1. Last evaluated: 2025-04-13. Review status: criteria provided, single submitter. Criteria: Invitae Variant Classification Sherloc (09022015). Collection method: clinical testing. Allele origin: germline.
Comment: This sequence change replaces serine, which is neutral and polar, with phenylalanine, which is neutral and non-polar, at codon 1067 of the DIAPH1 protein (p.Ser1067Phe). This variant is present in population databases (no rsID available, gnomAD 0.0009%). This variant has not been reported in the literature in individuals affected with DIAPH1-related conditions. An algorithm developed to predict the effect of missense changes on protein structure and function (PolyPhen-2) suggests that this variant is likely to be disruptive. In summary, the available evidence is currently insufficient to determine the role of this variant in disease. Therefore, it has been classified as a Variant of Uncertain Significance.

NM_005219.5(DIAPH1):c.3200C>T (p.Ser1067Phe)

Gene: DIAPH1 (diaphanous related formin 1; minus strand). Cytogenetic location: 5q31.3.
Variant type: single nucleotide variant.
Coding change: c.3200C>T on transcript NM_005219.5 (MANE Select); coding-DNA position 3200, C replaced by T.
Protein change: p.Ser1067Phe; replaces serine 1067 with phenylalanine.
Molecular consequence: missense variant.
Genome position (GRCh38, 1-based): chr5:141,527,646, G>A on the plus strand (C>T on the coding strand, the complement: DIAPH1 is on the minus strand). VCF-style: chr5-141527646-G-A. GRCh37 (hg19) VCF-style: chr5-140907213-G-A.
Other names: c.3173C>T, p.Ser1058Phe (NM_001079812.3); c.3200C>T, p.Ser1067Phe (NM_001314007.2); short protein forms S1058F, S1067F.
Identifiers: ClinVar variation 4793828 (VCV004793828.1).